The following is an entry in ClinVar:

NM_001267550.2(TTN):c.81912_81919dup (p.Val27307fs)

Genes: TTN-AS1 (TTN antisense RNA 1; plus strand), TTN (titin; minus strand). Cytogenetic location: 2q31.2.
Variant type: Duplication.
Coding change: c.81912_81919dup on transcript NM_001267550.2 (MANE Select); coding-DNA positions 81912 to 81919, 8 bases duplicated (ACCTGATG; older notation c.81912_81919dupACCTGATG).
Protein change: p.Val27307fs; shifts the reading frame from valine 27307.
Molecular consequence: frameshift variant.
Genome position (GRCh38, 1-based): chr2:178,564,213-178,564,220, CATCAGGT duplicated on the plus strand (ACCTGATG on the coding strand, the reverse complement: TTN is on the minus strand). VCF-style (leftmost placement, unchanged base first): chr2-178564212-A-ACATCAGGT. GRCh37 (hg19) VCF-style: chr2-179428939-A-ACATCAGGT.
Other names: c.76989_76996dup, p.Val25666fs (NM_001256850.1); c.54717_54724dup, p.Val18242fs (NM_003319.4); c.74208_74215dup, p.Val24739fs (NM_133378.4); c.55092_55099dup, p.Val18367fs (NM_133432.3); c.55293_55300dup, p.Val18434fs (NM_133437.4); short protein forms V25666fs, V27307fs, V18367fs, V18434fs, V18242fs, V24739fs.
Identifiers: ClinVar variation 2944529 (VCV002944529.3), dbSNP rs2468196548, ClinGen allele CA2740095912.

ClinVar aggregate classification (germline): Likely pathogenic (1 of 4 stars; one submission).

Conditions:
Dilated cardiomyopathy 1G (CMD1G). Identifiers: Orphanet 154, MedGen C1858763, MONDO:0011400, OMIM 604145.
Autosomal recessive limb-girdle muscular dystrophy type 2J (LGMDR10). Also called: Limb-girdle muscular dystrophy, type 2J; MUSCULAR DYSTROPHY, LIMB-GIRDLE, AUTOSOMAL RECESSIVE 10. Identifiers: Orphanet 140922, MedGen C1837342, MONDO:0012127, OMIM 608807.

Submission:

Labcorp Genetics (formerly Invitae), Labcorp
Classification: Likely pathogenic for Dilated cardiomyopathy 1G; Autosomal recessive limb-girdle muscular dystrophy type 2J. Last evaluated: 2023-02-20. Review status: criteria provided, single submitter. Criteria: Invitae Variant Classification Sherloc (09022015). Collection method: clinical testing. Allele origin: germline.
Comment: In summary, the currently available evidence indicates that the variant is pathogenic, but additional data are needed to prove that conclusively. Therefore, this variant has been classified as Likely Pathogenic. This variant is located in the A band of TTN (PMID: 25589632). Truncating variants in this region are significantly overrepresented in patients affected with dilated cardiomyopathy (PMID: 25589632). Truncating variants in this region have also been reported in individuals affected with autosomal recessive centronuclear myopathy (PMID: 23975875). This variant has not been reported in the literature in individuals affected with TTN-related conditions. This variant is not present in population databases (gnomAD no frequency). This sequence change creates a premature translational stop signal (p.Val27307Aspfs*46) in the TTN gene. While this is not anticipated to result in nonsense mediated decay, it is expected to create a truncated TTN protein.

Literature cited by the submitters: PubMed 25589632; PubMed 23975875.